The following is an entry in ClinVar:

NM_000812.4(GABRB1):c.682+4A>C

Gene: GABRB1 (gamma-aminobutyric acid type A receptor subunit beta1; plus strand). Cytogenetic location: 4p12.
Variant type: single nucleotide variant.
Coding change: c.682+4A>C on transcript NM_000812.4 (MANE Select); 4 bases into the intron after coding-DNA position 682, A replaced by C.
Molecular consequence: intron variant.
Genome position (GRCh38, 1-based): chr4:47,403,459, A>C. VCF-style: chr4-47403459-A-C. GRCh37 (hg19) VCF-style: chr4-47405476-A-C.
Identifiers: ClinVar variation 3620094 (VCV003620094.2).

ClinVar aggregate classification (germline): Uncertain significance (1 of 4 stars; one submission).

Submission:

Labcorp Genetics (formerly Invitae), Labcorp
Classification: Uncertain significance. Last evaluated: 2025-01-30. Review status: criteria provided, single submitter. Criteria: Invitae Variant Classification Sherloc (09022015). Collection method: clinical testing. Allele origin: germline.
Comment: This sequence change falls in intron 6 of the GABRB1 gene. It does not directly change the encoded amino acid sequence of the GABRB1 protein. It affects a nucleotide within the consensus splice site. This variant is not present in population databases (gnomAD no frequency). This variant has not been reported in the literature in individuals affected with GABRB1-related conditions. Variants that disrupt the consensus splice site are a relatively common cause of aberrant splicing (PMID: 17576681, 9536098). Algorithms developed to predict the effect of sequence changes on RNA splicing suggest that this variant is not likely to affect RNA splicing. In summary, the available evidence is currently insufficient to determine the role of this variant in disease. Therefore, it has been classified as a Variant of Uncertain Significance.

Literature cited by the submitters: PubMed 17576681; PubMed 9536098.